The following is an entry in ClinVar:

ClinVar aggregate classification (germline): Benign/Likely benign. Review status: criteria provided, multiple submitters, no conflicts (2 of 4 stars). 8 submissions from 8 submitters: Benign (5); Likely benign (1). 2 of the submissions do not count toward it. Last evaluated 2026-02-04.

Conditions:
History of neurodevelopmental disorder. Identifiers: MedGen C2711754.
Multiple congenital anomalies-hypotonia-seizures syndrome 1 (MCAHS1). Also called: GLYCOSYLPHOSPHATIDYLINOSITOL BIOSYNTHESIS DEFECT 3; PIGN-CDG; Congenital disorder of glycosylation due to PIGN deficiency. Identifiers: Orphanet 280633, MedGen C3279775, MONDO:0013563, OMIM 614080.

Allele frequency attached by ClinVar (database versions not stated): gnomAD exomes 1.00000.

Submissions (10):

Labcorp Genetics (formerly Invitae), Labcorp
Classification: Benign for Multiple congenital anomalies-hypotonia-seizures syndrome 1. Last evaluated: 2026-02-04. Review status: criteria provided, single submitter. Criteria: Invitae Variant Classification Sherloc (09022015). Collection method: clinical testing. Allele origin: germline.

ARUP Laboratories, Molecular Genetics and Genomics, ARUP Laboratories
Classification: Benign for Multiple congenital anomalies-hypotonia-seizures syndrome 1. Last evaluated: 2025-07-17. Review status: criteria provided, single submitter. Criteria: ARUP Molecular Germline Variant Investigation Process 2024. Collection method: clinical testing. Allele origin: germline.

Blueprint Genetics
Classification: Likely benign. Last evaluated: 2024-11-28. Review status: criteria provided, single submitter. Criteria: ACMG Guidelines, 2015. Collection method: clinical testing. Allele origin: germline.

GeneDx
Classification: Benign. Last evaluated: 2018-06-14. Review status: criteria provided, single submitter. Criteria: GeneDx Variant Classification (06012015). Collection method: clinical testing. Allele origin: germline. Affected: yes.
Comment: This variant is considered likely benign or benign based on one or more of the following criteria: it is a conservative change, it occurs at a poorly conserved position in the protein, it is predicted to be benign by multiple in silico algorithms, and/or has population frequency not consistent with disease.

Ambry Genetics
Classification: Benign for History of neurodevelopmental disorder. Last evaluated: 2016-03-11. Review status: criteria provided, single submitter. Criteria: Ambry Autosomal Dominant and X-Linked criteria (10/2015). Collection method: clinical testing. Allele origin: germline. Observed: 1 variant allele.

Breakthrough Genomics
Classification: Benign. Review status: criteria provided, single submitter. Criteria: ACMG Guidelines, 2015. Collection method: not provided. Allele origin: germline. Inheritance: Autosomal recessive inheritance. Affected: yes.

Diagnostic Laboratory, Department of Genetics, University Medical Center Groningen
Classification: Benign for Multiple congenital anomalies-hypotonia-seizures syndrome 1. Review status: no assertion criteria provided. Collection method: clinical testing. Allele origin: germline. Affected: yes. Study: VKGL Data-share Consensus. Not counted in ClinVar's aggregate classification.

Dr. Peter K. Rogan Lab, Western University
No classification provided (evidence only). Condition: Thyroid cancer, nonmedullary, 1. Review status: no classification provided. Collection method: in vitro. Allele origin: not applicable. Functional consequence: retained intron. Not counted in ClinVar's aggregate classification.

Dr. Peter K. Rogan Lab, Western University
No classification provided (evidence only). Condition: Thyroid cancer, nonmedullary, 1. Review status: no classification provided. Collection method: in vitro. Allele origin: not applicable. Functional consequence: retained intron. Not counted in ClinVar's aggregate classification.

Genome Diagnostics Laboratory, University Medical Center Utrecht
Classification: Likely benign. Review status: no assertion criteria provided. Collection method: clinical testing. Allele origin: germline. Affected: yes. Study: VKGL Data-share Consensus. Not counted in ClinVar's aggregate classification.

NM_176787.5(PIGN):c.1117-1=

Gene: PIGN (phosphatidylinositol glycan anchor biosynthesis class N; minus strand). Cytogenetic location: 18q21.33.
Variant type: single nucleotide variant.
Coding change: c.1117-1= on transcript NM_176787.5 (MANE Select); the canonical splice acceptor site of the intron before coding-DNA position 1117, no change from the reference sequence.
Molecular consequence: splice acceptor variant.
Genome position: GRCh38 VCF-style: chr18-62138299-C-C. GRCh37 (hg19) VCF-style: chr18-59805532-T-C.
Other names: c.1117-1= (NM_012327.6).
Identifiers: ClinVar variation 518281 (VCV000518281.20), dbSNP rs9959632.
Genomic context (GRCh38, chr18:62,138,299, plus strand): 5'-TTACTTAAATGGTGTAAACAAAAATGGTAAAGTAACTTCTTTCTTCTGAGTCATTTTCAC[C=]TGGGAACCAAGTATGAAAATATTACAAATGAGAAAAATAATGAATTCCATTTTGAAATAT-3'